The following is an entry in ClinVar:

NM_152564.5(VPS13B):c.2464A>C (p.Ser822Arg)

Gene: VPS13B (vacuolar protein sorting 13 homolog B; plus strand). Cytogenetic location: 8q22.2.
Variant type: single nucleotide variant.
Coding change: c.2464A>C on transcript NM_152564.5 (MANE Select); coding-DNA position 2464, A replaced by C.
Protein change: p.Ser822Arg; replaces serine 822 with arginine.
Molecular consequence: missense variant.
Genome position (GRCh38, 1-based): chr8:99,193,006, A>C. VCF-style: chr8-99193006-A-C. GRCh37 (hg19) VCF-style: chr8-100205234-A-C.
Other names: c.2464A>C, p.Ser822Arg (NM_017890.5, NM_015243.3); short protein forms S822R.
Identifiers: ClinVar variation 1507688 (VCV001507688.6), dbSNP rs1208376209, ClinGen allele CA371861735.

ClinVar aggregate classification (germline): Uncertain significance (1 of 4 stars; one submission).

Conditions:
Cohen syndrome (COH1). Also called: PEPPER SYNDROME; Cutis verticis gyrata, retinitis pigmentosa, and sensorineural deafness. Identifiers: Orphanet 193, MedGen C0265223, MONDO:0008999, OMIM 216550.

Allele frequency attached by ClinVar (database versions not stated): TOPMed below 0.00001; gnomAD 0.00001.

Submission:

Labcorp Genetics (formerly Invitae), Labcorp
Classification: Uncertain significance for Cohen syndrome. Last evaluated: 2024-11-18. Review status: criteria provided, single submitter. Criteria: Invitae Variant Classification Sherloc (09022015). Collection method: clinical testing. Allele origin: germline.
Comment: This sequence change replaces serine, which is neutral and polar, with arginine, which is basic and polar, at codon 822 of the VPS13B protein (p.Ser822Arg). This variant is not present in population databases (gnomAD no frequency). This variant has not been reported in the literature in individuals affected with VPS13B-related conditions. ClinVar contains an entry for this variant (Variation ID: 1507688). Invitae Evidence Modeling of protein sequence and biophysical properties (such as structural, functional, and spatial information, amino acid conservation, physicochemical variation, residue mobility, and thermodynamic stability) indicates that this missense variant is not expected to disrupt VPS13B protein function with a negative predictive value of 80%. In summary, the available evidence is currently insufficient to determine the role of this variant in disease. Therefore, it has been classified as a Variant of Uncertain Significance.